The following is an entry in ClinVar:

NM_001851.6(COL9A1):c.1029+4dup

Gene: COL9A1 (collagen type IX alpha 1 chain; minus strand). Cytogenetic location: 6q13.
Variant type: Duplication.
Coding change: c.1029+4dup on transcript NM_001851.6 (MANE Select); 4 bases into the intron after coding-DNA position 1029, one base duplicated (A; older notation c.1029+4dupA).
Molecular consequence: intron variant.
Genome position (GRCh38, 1-based): chr6:70,274,715, T duplicated on the plus strand (A on the coding strand, the reverse complement: COL9A1 is on the minus strand); the first of 2 consecutive T bases (chr6:70,274,715-70,274,716); duplicating either gives the same sequence. VCF-style (leftmost placement, unchanged base first): chr6-70274714-C-CT. GRCh37 (hg19) VCF-style: chr6-70984417-C-CT.
Other names: c.300+4dup (NM_001377290.1, NM_078485.4, NM_001377289.1).
Identifiers: ClinVar variation 1376439 (VCV001376439.4), dbSNP rs2127592864, ClinGen allele CA2573141158.
Genomic context (GRCh38, chr6:70,274,714, plus strand): 5'-ACACTGCAATAAAATTATACTTCAGCATTTTCGTACTAGCAATTAATGCCAGATGGCTAA[C>CT]TTACTTTTTGTCCCTTTGACCCAATGGAGCCAGGGGATCCATCAGGTCCTGTTAATCCCT-3'

ClinVar aggregate classification (germline): Uncertain significance (1 of 4 stars; one submission).

Submission:

Labcorp Genetics (formerly Invitae), Labcorp
Classification: Uncertain significance. Last evaluated: 2022-07-19. Review status: criteria provided, single submitter. Criteria: Invitae Variant Classification Sherloc (09022015). Collection method: clinical testing. Allele origin: germline.
Comment: This variant has not been reported in the literature in individuals affected with COL9A1-related conditions. In summary, the available evidence is currently insufficient to determine the role of this variant in disease. Therefore, it has been classified as a Variant of Uncertain Significance. Variants that disrupt the consensus splice site are a relatively common cause of aberrant splicing (PMID: 17576681, 9536098). Algorithms developed to predict the effect of sequence changes on RNA splicing suggest that this variant may disrupt the consensus splice site. ClinVar contains an entry for this variant (Variation ID: 1376439). This variant is not present in population databases (gnomAD no frequency). This sequence change falls in intron 11 of the COL9A1 gene. It does not directly change the encoded amino acid sequence of the COL9A1 protein. It affects a nucleotide within the consensus splice site.

Literature cited by the submitters: PubMed 17576681; PubMed 9536098.